The following is an entry in ClinVar:

NM_001253852.3(AP4B1):c.1922C>A (p.Ala641Asp)

Genes: AP4B1 (adaptor related protein complex 4 subunit beta 1; minus strand), AP4B1-AS1 (AP4B1 antisense RNA 1; plus strand). Cytogenetic location: 1p13.2.
Variant type: single nucleotide variant.
Coding change: c.1922C>A on transcript NM_001253852.3 (MANE Select); coding-DNA position 1922, C replaced by A.
Protein change: p.Ala641Asp; replaces alanine 641 with aspartic acid.
Molecular consequence: missense variant.
Genome position (GRCh38, 1-based): chr1:113,895,363, G>T on the plus strand (C>A on the coding strand, the complement: AP4B1 is on the minus strand). VCF-style: chr1-113895363-G-T. GRCh37 (hg19) VCF-style: chr1-114437985-G-T.
Other names: c.1625C>A, p.Ala542Asp (NM_001253853.3); c.1418C>A, p.Ala473Asp (NM_001308312.2); c.1922C>A, p.Ala641Asp (NM_006594.5); short protein forms A542D, A641D, A473D.
Identifiers: ClinVar variation 2397732 (VCV002397732.2), dbSNP rs1667332064, ClinGen allele CA341706955.

ClinVar aggregate classification (germline): Uncertain significance (1 of 4 stars; one submission).

Conditions:
Inborn genetic diseases. Identifiers: MedGen C0950123, MeSH D030342.

Submission:

Ambry Genetics
Classification: Uncertain significance for Inborn genetic diseases. Last evaluated: 2020-11-20. Review status: criteria provided, single submitter. Criteria: Ambry Variant Classification Scheme 2023. Collection method: clinical testing. Allele origin: germline.
Comment: The c.1922C>A (p.A641D) alteration is located in exon 11 (coding exon 10) of the AP4B1 gene. This alteration results from a C to A substitution at nucleotide position 1922, causing the alanine (A) at amino acid position 641 to be replaced by an aspartic acid (D). Based on data from the Genome Aggregation Database (gnomAD), the AP4B1 c.1922C>A alteration was not observed, with coverage at this position. This amino acid position is not well conserved in available vertebrate species. The p.A641D alteration is predicted to be tolerated by in silico analysis. Based on insufficient or conflicting evidence, the clinical significance of this alteration remains unclear.